The following continues an entry in ClinVar:

NM_002641.4(PIGA):c.55C>T (p.Arg19Trp)

Gene: PIGA. ClinVar aggregate classification (germline): Benign. Benign (7).

Submissions 68 to 86 of 86:

Dr. Peter K. Rogan Lab, Western University
No classification provided (evidence only). Condition: Malignant tumor of esophagus. Review status: no classification provided. Collection method: in vitro. Allele origin: not applicable. Functional consequence: retained intron. Not counted in ClinVar's aggregate classification.

Dr. Peter K. Rogan Lab, Western University
No classification provided (evidence only). Condition: Malignant tumor of esophagus. Review status: no classification provided. Collection method: in vitro. Allele origin: not applicable. Functional consequence: skipped exon, retained intron. Not counted in ClinVar's aggregate classification.

Dr. Peter K. Rogan Lab, Western University
No classification provided (evidence only). Condition: Malignant tumor of esophagus. Review status: no classification provided. Collection method: in vitro. Allele origin: not applicable. Functional consequence: retained intron. Not counted in ClinVar's aggregate classification.

Dr. Peter K. Rogan Lab, Western University
No classification provided (evidence only). Condition: Malignant tumor of esophagus. Review status: no classification provided. Collection method: in vitro. Allele origin: not applicable. Functional consequence: retained intron. Not counted in ClinVar's aggregate classification.

Dr. Peter K. Rogan Lab, Western University
No classification provided (evidence only). Condition: Malignant tumor of esophagus. Review status: no classification provided. Collection method: in vitro. Allele origin: not applicable. Functional consequence: retained intron. Not counted in ClinVar's aggregate classification.

Dr. Peter K. Rogan Lab, Western University
No classification provided (evidence only). Condition: Malignant tumor of esophagus. Review status: no classification provided. Collection method: in vitro. Allele origin: not applicable. Functional consequence: retained intron. Not counted in ClinVar's aggregate classification.

Dr. Peter K. Rogan Lab, Western University
No classification provided (evidence only). Condition: Malignant tumor of esophagus. Review status: no classification provided. Collection method: in vitro. Allele origin: not applicable. Functional consequence: retained intron. Not counted in ClinVar's aggregate classification.

Dr. Peter K. Rogan Lab, Western University
No classification provided (evidence only). Condition: Chronic lymphocytic leukemia/small lymphocytic lymphoma. Review status: no classification provided. Collection method: in vitro. Allele origin: not applicable. Functional consequence: retained intron. Not counted in ClinVar's aggregate classification.

Dr. Peter K. Rogan Lab, Western University
No classification provided (evidence only). Condition: Nonpapillary renal cell carcinoma. Review status: no classification provided. Collection method: in vitro. Allele origin: not applicable. Functional consequence: retained intron. Not counted in ClinVar's aggregate classification.

Dr. Peter K. Rogan Lab, Western University
No classification provided (evidence only). Condition: Nonpapillary renal cell carcinoma. Review status: no classification provided. Collection method: in vitro. Allele origin: not applicable. Functional consequence: retained intron. Not counted in ClinVar's aggregate classification.

Dr. Peter K. Rogan Lab, Western University
No classification provided (evidence only). Condition: Familial pancreatic carcinoma. Review status: no classification provided. Collection method: in vitro. Allele origin: not applicable. Functional consequence: retained intron. Not counted in ClinVar's aggregate classification.

Dr. Peter K. Rogan Lab, Western University
No classification provided (evidence only). Condition: Familial pancreatic carcinoma. Review status: no classification provided. Collection method: in vitro. Allele origin: not applicable. Functional consequence: retained intron. Not counted in ClinVar's aggregate classification.

Dr. Peter K. Rogan Lab, Western University
No classification provided (evidence only). Condition: Lymphoma. Review status: no classification provided. Collection method: in vitro. Allele origin: not applicable. Functional consequence: retained intron. Not counted in ClinVar's aggregate classification.

Dr. Peter K. Rogan Lab, Western University
No classification provided (evidence only). Condition: Lymphoma. Review status: no classification provided. Collection method: in vitro. Allele origin: not applicable. Functional consequence: retained intron. Not counted in ClinVar's aggregate classification.

Dr. Peter K. Rogan Lab, Western University
No classification provided (evidence only). Condition: Lymphoma. Review status: no classification provided. Collection method: in vitro. Allele origin: not applicable. Functional consequence: retained intron. Not counted in ClinVar's aggregate classification.

Dr. Peter K. Rogan Lab, Western University
No classification provided (evidence only). Condition: Ovarian cancer. Review status: no classification provided. Collection method: in vitro. Allele origin: not applicable. Functional consequence: retained intron. Not counted in ClinVar's aggregate classification.

Dr. Peter K. Rogan Lab, Western University
No classification provided (evidence only). Condition: Ovarian cancer. Review status: no classification provided. Collection method: in vitro. Allele origin: not applicable. Functional consequence: retained intron. Not counted in ClinVar's aggregate classification.

Dr. Peter K. Rogan Lab, Western University
No classification provided (evidence only). Condition: Ovarian cancer. Review status: no classification provided. Collection method: in vitro. Allele origin: not applicable. Functional consequence: skipped exon, retained intron. Not counted in ClinVar's aggregate classification.

Dr. Peter K. Rogan Lab, Western University
No classification provided (evidence only). Condition: Ovarian cancer. Review status: no classification provided. Collection method: in vitro. Allele origin: not applicable. Functional consequence: retained intron. Not counted in ClinVar's aggregate classification.

Literature cited by the submitters: PubMed 24357517 (cited by Athena Diagnostics); PubMed 10087994 (cited by Athena Diagnostics); PubMed 8541557 (cited by Athena Diagnostics); PubMed 8652378 (cited by Athena Diagnostics); PubMed 15307104 (cited by Athena Diagnostics).